The following is an entry in ClinVar:

NM_004415.4(DSP):c.1066A>T (p.Thr356Ser)

Gene: DSP (desmoplakin; plus strand). Cytogenetic location: 6p24.3.
Variant type: single nucleotide variant.
Coding change: c.1066A>T on transcript NM_004415.4 (MANE Select); coding-DNA position 1066, A replaced by T.
Protein change: p.Thr356Ser; replaces threonine 356 with serine.
Molecular consequence: missense variant.
Genome position (GRCh38, 1-based): chr6:7,567,375, A>T. VCF-style: chr6-7567375-A-T. GRCh37 (hg19) VCF-style: chr6-7567608-A-T.
Other names: c.1066A>T, p.Thr356Ser (NM_001008844.3, NM_001319034.2); short protein forms T356S.
Identifiers: ClinVar variation 1016560 (VCV001016560.9), dbSNP rs1052446501, ClinGen allele CA362675526.
Genomic context (GRCh38, chr6:7,567,375, plus strand): 5'-CTGAGCTAGGCTAAGACAGCTGACATTTTCTTGTTTCAGGCCTATATGGACACTCTGCAG[A>T]CGCAGTGGAGTTGGATTCTTCAGATCACCAAGTGCATTGATGTTCATCTGAAAGAAAATG-3'
Protein context (NP_004406.2, residues 346-366): KIEAYMDTLQ[Thr356Ser]QWSWILQITK

ClinVar aggregate classification (germline): Uncertain significance (1 of 4 stars; one submission).

Conditions:
Arrhythmogenic cardiomyopathy with wooly hair and keratoderma. Also called: Carvajal syndrome; Arrhythmogenic cardiomyopathy with woolly hair and keratoderma; Dilated cardiomyopathy with woolly hair and keratoderma; PALMOPLANTAR KERATODERMA WITH LEFT VENTRICULAR CARDIOMYOPATHY AND WOOLLY HAIR. Identifiers: Orphanet 65282, MedGen C1854063, MONDO:0011581, OMIM 605676.
Arrhythmogenic right ventricular dysplasia 8 (ARVD8). Also called: ARRHYTHMOGENIC RIGHT VENTRICULAR DYSPLASIA, FAMILIAL, 8; ARRHYTHMOGENIC RIGHT VENTRICULAR CARDIOMYOPATHY 8; Arrhythmogenic Right Ventricular Dysplasia/Cardiomyopathy 8. Identifiers: MedGen C1843896, MONDO:0011831, OMIM 607450.

Submission:

Labcorp Genetics (formerly Invitae), Labcorp
Classification: Uncertain significance for Arrhythmogenic cardiomyopathy with wooly hair and keratoderma; Arrhythmogenic right ventricular dysplasia 8. Last evaluated: 2020-04-06. Review status: criteria provided, single submitter. Criteria: Invitae Variant Classification Sherloc (09022015). Collection method: clinical testing. Allele origin: germline.
Comment: This sequence change replaces threonine with serine at codon 356 of the DSP protein (p.Thr356Ser). The threonine residue is highly conserved and there is a small physicochemical difference between threonine and serine. This variant is not present in population databases (ExAC no frequency). This variant has not been reported in the literature in individuals with DSP-related conditions. Algorithms developed to predict the effect of missense changes on protein structure and function are either unavailable or do not agree on the potential impact of this missense change (SIFT: "Deleterious"; PolyPhen-2: "Probably Damaging"; Align-GVGD: "Class C0"). In summary, the available evidence is currently insufficient to determine the role of this variant in disease. Therefore, it has been classified as a Variant of Uncertain Significance.